The following is an entry in ClinVar:

NM_000035.4(ALDOB):c.623del (p.Lys208fs)

Gene: ALDOB (aldolase, fructose-bisphosphate B; minus strand). Cytogenetic location: 9q31.1.
Variant type: Deletion.
Coding change: c.623del on transcript NM_000035.4 (MANE Select); coding-DNA position 623, one base deleted (A; older notation c.623delA).
Protein change: p.Lys208fs; shifts the reading frame from lysine 208.
Molecular consequence: frameshift variant.
Genome position (GRCh38, 1-based): chr9:101,426,556, T deleted on the plus strand (A on the coding strand, the reverse complement: ALDOB is on the minus strand); the first of 2 consecutive T bases (chr9:101,426,556-101,426,557); deleting either gives the same sequence. VCF-style (leftmost placement, unchanged base first): chr9-101426555-CT-C. GRCh37 (hg19) VCF-style: chr9-104188837-CT-C.
Other names: short protein forms K208fs.
Identifiers: ClinVar variation 5012571 (VCV005012571.1).

ClinVar aggregate classification (germline): Pathogenic (1 of 4 stars; one submission).

Conditions:
Hereditary fructosuria. Also called: FRUCTOSEMIA; Hereditary fructose intolerance; ALDOB DEFICIENCY; ALDOLASE B DEFICIENCY; FRUCTOSE-1,6-BISPHOSPHATE ALDOLASE B DEFICIENCY; FRUCTOSE-1-PHOSPHATE ALDOLASE DEFICIENCY. Identifiers: Orphanet 469, MedGen C0016751, MONDO:0009249, OMIM 229600, HP:0005973. Disease mechanism: loss of function.

Submission:

Myriad Genetics, Inc.
Classification: Pathogenic for Hereditary fructosuria. Last evaluated: 2023-12-13. Review status: criteria provided, single submitter. Criteria: Myriad Autosomal Dominant, Autosomal Recessive and X-Linked Classification Criteria (2023). Collection method: clinical testing. Allele origin: unknown.
Comment: NM_000035.3(ALDOB):c.623delA(K208Rfs*10) is expected to be pathogenic in the context of hereditary fructose intolerance. This variant is predicted to lead to an abnormal or absent protein product due to the creation of a premature termination codon in ALDOB, a gene where loss-of-function variants are known to be pathogenic. Please note: this variant was assessed in the context of healthy population screening.